The following is an entry in ClinVar:

ClinVar aggregate classification (germline): Likely benign. Review status: criteria provided, multiple submitters, no conflicts (2 of 4 stars). 2 submissions from 2 submitters: Likely benign (2). Last evaluated 2025-04-21.

Conditions:
Hereditary spastic paraplegia 50 (SPG50). Also called: Spastic paraplegia 50, autosomal recessive. Identifiers: Orphanet 280763, MedGen C2752008, MONDO:0013048, OMIM 612936.

Allele frequency attached by ClinVar (database versions not stated): ExAC 0.00008; gnomAD exomes 0.00009; gnomAD 0.00013 and 0.00014; TOPMed 0.00014; 1000 Genomes Project 30x 0.00016; 1000 Genomes Project 0.00020.
gnomAD v4.1: 72 of 1,614,180 alleles (0.0045%); highest among the groups gnomAD compares: African/African-American, 0.047%; no homozygotes.

Submissions (2):

Labcorp Genetics (formerly Invitae), Labcorp
Classification: Likely benign for Hereditary spastic paraplegia 50. Last evaluated: 2025-04-21. Review status: criteria provided, single submitter. Criteria: Invitae Variant Classification Sherloc (09022015). Collection method: clinical testing. Allele origin: germline.

CeGaT Center for Human Genetics Tuebingen
Classification: Likely benign. Last evaluated: 2022-12-01. Review status: criteria provided, single submitter. Criteria: CeGaT Center For Human Genetics Tuebingen Variant Classification Criteria Version 2. Collection method: clinical testing. Allele origin: germline. Affected: yes. Observed: 1 variant allele.
Comment: AP4M1: BP4, BP7

NM_004722.4(AP4M1):c.630G>A (p.Val210=)

Gene: AP4M1 (adaptor related protein complex 4 subunit mu 1; plus strand). Cytogenetic location: 7q22.1.
Variant type: single nucleotide variant.
Coding change: c.630G>A on transcript NM_004722.4 (MANE Select); coding-DNA position 630, G replaced by A.
Protein change: p.Val210=; no amino-acid change (valine 210 retained).
Molecular consequence: synonymous variant.
Genome position (GRCh38, 1-based): chr7:100,104,897, G>A. VCF-style: chr7-100104897-G-A. GRCh37 (hg19) VCF-style: chr7-99702520-G-A.
Other names: c.651G>A, p.Val217= (NM_001363671.2).
Identifiers: ClinVar variation 1614912 (VCV001614912.33), dbSNP rs537780447, ClinGen allele CA4374713.